The following is an entry in ClinVar:

NM_005334.3(HCFC1):c.504-6C>G

Gene: HCFC1 (host cell factor C1; minus strand). Cytogenetic location: Xq28.
Variant type: single nucleotide variant.
Coding change: c.504-6C>G on transcript NM_005334.3 (MANE Select); 6 bases into the intron before coding-DNA position 504, C replaced by G.
Molecular consequence: intron variant.
Genome position (GRCh38, 1-based): chrX:153,963,439, G>C on the plus strand (C>G on the coding strand, the complement: HCFC1 is on the minus strand). VCF-style: chrX-153963439-G-C. GRCh37 (hg19) VCF-style: chrX-153228890-G-C.
Other names: c.504-6C>G (NM_001440851.1, NM_001440850.1, NM_001440848.1 and 7 more transcripts).
Identifiers: ClinVar variation 4885497 (VCV004885497.2).

ClinVar aggregate classification (germline): Uncertain significance (1 of 4 stars; one submission).

Submission:

Dasa
Classification: Uncertain significance. Last evaluated: 2025-07-27. Review status: criteria provided, single submitter. Criteria: DASA Assertion Criteria. Collection method: clinical testing. Allele origin: germline.
Comment: NM_005334.3(HCFC1):c.504-6C>G is a splice-region variant. This variant is rare in population databases. Computational prediction algorithms are consistent with a deleterious effect. The currently available literature and clinical evidence are not sufficient to establish a definitive association between this variant and the reported condition. Therefore, this variant is classified as a variant of uncertain significance.